The following is an entry in ClinVar:

NM_001142.2(AMELX):c.431del (p.Pro144fs)

Genes: ARHGAP6 (Rho GTPase activating protein 6; minus strand), AMELX (amelogenin X-linked; plus strand). Cytogenetic location: Xp22.2.
Variant type: Deletion.
Coding change: c.431del on transcript NM_001142.2 (MANE Select); coding-DNA position 431, one base deleted (C; older notation c.431delC).
Protein change: p.Pro144fs; shifts the reading frame from proline 144.
Molecular consequence: frameshift variant. On other transcripts: intron variant (3).
Genome position (GRCh38, 1-based): chrX:11,298,834, C deleted; the last of 2 consecutive C bases (chrX:11,298,833-11,298,834); deleting either gives the same sequence. VCF-style (leftmost placement, unchanged base first): chrX-11298832-GC-G. GRCh37 (hg19) VCF-style: chrX-11316952-GC-G.
Other names: c.473del, p.Pro158fs (NM_182680.1); c.383del, p.Pro128fs (NM_182681.1); c.589-44126del (NM_013427.3, NM_006125.3); c.49-44126del (NM_001287242.2); short protein forms P128fs, P158fs, P144fs.
Identifiers: ClinVar variation 11139 (VCV000011139.3), dbSNP rs387906489, ClinGen allele CA121368.

ClinVar aggregate classification (germline): Likely pathogenic. Review status: criteria provided, multiple submitters, no conflicts (2 of 4 stars). 3 submissions from 3 submitters: Likely pathogenic (2). 1 of the submissions does not count toward it. Last evaluated 2025-03-20.

Conditions:
Amelogenesis imperfecta type 1E. Also called: Amelogenesis imperfecta, hypomaturation type, with snow-capped teeth; Amelogenesis Imperfecta, Hypoplastic/Hypomaturation, X-Linked 1; ENAMEL HYPOPLASIA, X-LINKED 1; Amelogenesis imperfecta X-linked 1; Enamel hypoplasia X-linked. Identifiers: Orphanet 88661, MedGen C1845053, MONDO:0010521, OMIM 301200. Disease mechanism: loss of function.

Submissions (3):

Human Genetics Bochum, Ruhr University Bochum
Classification: Likely pathogenic for Amelogenesis imperfecta type 1E. Last evaluated: 2025-03-20. Review status: criteria provided, single submitter. Criteria: ACMG Guidelines, 2015. Collection method: clinical testing. Allele origin: germline. Affected: yes.
Comment: ACMG criteria used to clasify this variant: PVS1_STR, PM1_SUP, PM2_SUP

MVZ Medizinische Genetik Mainz
Classification: Likely pathogenic for Amelogenesis imperfecta type 1E. Last evaluated: 2024-11-05. Review status: criteria provided, single submitter. Criteria: UK Practice Guidelines For Variant Classification V4 01 2020. Collection method: clinical testing. Allele origin: germline. Inheritance: X-linked dominant inheritance. Affected: yes. Observed: 1 variant allele.
Comment: ACMG Criteria: PVS1_STR,PS4_SUP,PM2_SUP,PP4

OMIM
Classification: Pathogenic for AMELOGENESIS IMPERFECTA, TYPE 1E. Last evaluated: 2002-04-01. Review status: no assertion criteria provided. Collection method: literature only. Allele origin: germline. Not counted in ClinVar's aggregate classification.

Literature cited by the submitters: PubMed 7599636 (cited by OMIM); PubMed 11922868 (cited by OMIM).